The following is an entry in ClinVar:

ClinVar aggregate classification (germline): Likely benign. Review status: criteria provided, multiple submitters, no conflicts (2 of 4 stars). 2 submissions from 2 submitters: Likely benign (2). Last evaluated 2026-09-01.

Allele frequency attached by ClinVar (database versions not stated): ExAC 0.00002; gnomAD exomes 0.00002.
gnomAD v4.1: 25 of 1,613,750 alleles (0.0015%); highest among the groups gnomAD compares: Non-Finnish European, 0.0019%; no homozygotes.

Submissions (2):

CeGaT Center for Human Genetics Tuebingen
Classification: Likely benign. Last evaluated: 2026-09-01. Review status: criteria provided, single submitter. Criteria: CeGaT Center For Human Genetics Tuebingen Variant Classification Criteria Version 2. Collection method: clinical testing. Allele origin: germline. Affected: yes. Observed: 2 variant alleles.
Comment: HERC1: BP4, BP7

Labcorp Genetics (formerly Invitae), Labcorp
Classification: Likely benign. Last evaluated: 2024-06-03. Review status: criteria provided, single submitter. Criteria: Invitae Variant Classification Sherloc (09022015). Collection method: clinical testing. Allele origin: germline.

NM_003922.4(HERC1):c.13176C>A (p.Val4392=)

Gene: HERC1 (HECT and RLD domain containing E3 ubiquitin protein ligase family member 1; minus strand). Cytogenetic location: 15q22.31.
Variant type: single nucleotide variant.
Coding change: c.13176C>A on transcript NM_003922.4 (MANE Select); coding-DNA position 13176, C replaced by A.
Protein change: p.Val4392=; no amino-acid change (valine 4392 retained).
Molecular consequence: synonymous variant.
Genome position (GRCh38, 1-based): chr15:63,626,084, G>T on the plus strand (C>A on the coding strand, the complement: HERC1 is on the minus strand). VCF-style: chr15-63626084-G-T. GRCh37 (hg19) VCF-style: chr15-63918283-G-T.
Identifiers: ClinVar variation 2992683 (VCV002992683.10), dbSNP rs751411027, ClinGen allele CA7603801.